The following is an entry in ClinVar:

ClinVar aggregate classification (germline): Pathogenic (1 of 4 stars; one submission).

Submission:

Labcorp Genetics (formerly Invitae), Labcorp
Classification: Pathogenic. Last evaluated: 2023-12-25. Review status: criteria provided, single submitter. Criteria: Invitae Variant Classification Sherloc (09022015). Collection method: clinical testing. Allele origin: germline.
Comment: This sequence change creates a premature translational stop signal (p.Ala27Argfs*151) in the LHX3 gene. It is expected to result in an absent or disrupted protein product. Loss-of-function variants in LHX3 are known to be pathogenic (PMID: 16394081, 18407919). This variant is not present in population databases (gnomAD no frequency). This variant has not been reported in the literature in individuals affected with LHX3-related conditions. For these reasons, this variant has been classified as Pathogenic.

Literature cited by the submitters: PubMed 16394081; PubMed 18407919.

NM_178138.6(LHX3):c.79+1973del

Gene: LHX3 (LIM homeobox 3; minus strand). Cytogenetic location: 9q34.3.
Variant type: Deletion.
Coding change: c.79+1973del on transcript NM_178138.6 (MANE Select); 1973 bases into the intron after coding-DNA position 79, one base deleted (G; older notation c.79+1973delG).
Molecular consequence: intron variant. On other transcripts: frameshift variant (1).
Genome position (GRCh38, 1-based): chr9:136,202,961, C deleted on the plus strand (G on the coding strand, the reverse complement: LHX3 is on the minus strand); the first of 3 consecutive C bases (chr9:136,202,961-136,202,963); deleting any one gives the same sequence. VCF-style (leftmost placement, unchanged base first): chr9-136202960-GC-G. GRCh37 (hg19) VCF-style: chr9-139094806-GC-G.
Other names: c.79del, p.Ala27fs (NM_014564.5); short protein forms A27fs.
Identifiers: ClinVar variation 2705534 (VCV002705534.3), dbSNP rs2490926165, ClinGen allele CA2697558198.